The following is an entry in ClinVar:

ClinVar aggregate classification (germline): Uncertain significance (1 of 4 stars; one submission).

Allele frequency attached by ClinVar (database versions not stated): gnomAD exomes below 0.00001; gnomAD 0.00001; TOPMed 0.00001.
gnomAD v4.1: 4 of 1,204,103 alleles (0.00033%); highest among the groups gnomAD compares: Admixed American, 0.0022%; no homozygotes.

Submission:

Labcorp Genetics (formerly Invitae), Labcorp
Classification: Uncertain significance. Last evaluated: 2023-08-17. Review status: criteria provided, single submitter. Criteria: Invitae Variant Classification Sherloc (09022015). Collection method: clinical testing. Allele origin: germline.
Comment: In summary, the available evidence is currently insufficient to determine the role of this variant in disease. Therefore, it has been classified as a Variant of Uncertain Significance. An algorithm developed to predict the effect of missense changes on protein structure and function (PolyPhen-2) suggests that this variant is likely to be disruptive. ClinVar contains an entry for this variant (Variation ID: 2142636). This variant has not been reported in the literature in individuals affected with TAF1-related conditions. This variant is not present in population databases (gnomAD no frequency). This sequence change replaces valine, which is neutral and non-polar, with isoleucine, which is neutral and non-polar, at codon 1864 of the TAF1 protein (p.Val1864Ile).

NM_004606.5(TAF1):c.5530G>A (p.Val1844Ile)

Gene: TAF1 (TATA-box binding protein associated factor 1; plus strand). Cytogenetic location: Xq13.1.
Variant type: single nucleotide variant.
Coding change: c.5530G>A on transcript NM_004606.5 (MANE Select); coding-DNA position 5530, G replaced by A.
Protein change: p.Val1844Ile; replaces valine 1844 with isoleucine.
Molecular consequence: missense variant.
Genome position (GRCh38, 1-based): chrX:71,463,954, G>A. VCF-style: chrX-71463954-G-A. GRCh37 (hg19) VCF-style: chrX-70683804-G-A.
Other names: c.5536G>A, p.Val1846Ile (NM_001286074.2); c.5467G>A, p.Val1823Ile (NM_138923.4); short protein forms V1844I, V1846I, V1823I.
Identifiers: ClinVar variation 2142636 (VCV002142636.4), dbSNP rs1367922862, ClinGen allele CA413532324.